The following is an entry in ClinVar:

NM_173660.5(DOK7):c.1296_1297delinsAC (p.Asp433His)

Gene: DOK7 (docking protein 7; plus strand). Cytogenetic location: 4p16.3.
Variant type: Indel.
Coding change: c.1296_1297delinsAC on transcript NM_173660.5 (MANE Select); coding-DNA positions 1296 to 1297, GG replaced by AC.
Protein change: p.Asp433His; replaces aspartic acid 433 with histidine.
Molecular consequence: missense variant. On other transcripts: 3 prime UTR variant (1).
Genome position (GRCh38, 1-based): chr4:3,493,282-3,493,283, GG replaced by AC. VCF-style: chr4-3493282-GG-AC. GRCh37 (hg19) VCF-style: chr4-3495009-GG-AC.
Other names: c.*517_*518delinsAC (NM_001164673.2); c.366_367delinsAC, p.Asp123His (NM_001256896.2); c.1296_1297delinsAC, p.Asp433His (NM_001301071.2); c.864_865delinsAC, p.Asp289His (NM_001363811.2); short protein forms D123H, D289H, D433H.
Identifiers: ClinVar variation 4790815 (VCV004790815.1).

ClinVar aggregate classification (germline): Uncertain significance (1 of 4 stars; one submission).

Conditions:
Congenital myasthenic syndrome 10. Also called: Myasthenia, limb-girdle, familial. Identifiers: Orphanet 590, MedGen C1850792, MONDO:0009690, OMIM 254300.
Fetal akinesia deformation sequence 1 (FADS1). Also called: Pena-Shokeir syndrome type I; Fetal akinesia sequence. Identifiers: Orphanet 994, MedGen C1276035, MONDO:0100101, OMIM 208150, HP:0001989.

Submission:

Labcorp Genetics (formerly Invitae), Labcorp
Classification: Uncertain significance for Congenital myasthenic syndrome 10; Fetal akinesia deformation sequence 1. Last evaluated: 2025-07-15. Review status: criteria provided, single submitter. Criteria: Invitae Variant Classification Sherloc (09022015). Collection method: clinical testing. Allele origin: germline.
Comment: This sequence change replaces aspartic acid, which is acidic and polar, with histidine, which is basic and polar, at codon 433 of the DOK7 protein (p.Asp433His). Information on the frequency of this variant in the gnomAD database is not available, as this variant may be reported differently in the database. This variant has not been reported in the literature in individuals affected with DOK7-related conditions. Experimental studies and prediction algorithms are not available or were not evaluated, and the functional significance of this variant is currently unknown. In summary, the available evidence is currently insufficient to determine the role of this variant in disease. Therefore, it has been classified as a Variant of Uncertain Significance.